The following is an entry in ClinVar:

NM_004408.4(DNM1):c.-13G>A

Genes: CIZ1 (CDKN1A interacting zinc finger protein 1; minus strand), DNM1 (dynamin 1; plus strand). Cytogenetic location: 9q34.11.
Variant type: single nucleotide variant.
Coding change: c.-13G>A on transcript NM_004408.4 (MANE Select); 13 bases upstream of the start codon, G replaced by A.
Molecular consequence: 5 prime UTR variant. On other transcripts: intron variant (2).
Genome position (GRCh38, 1-based): chr9:128,203,458, G>A. VCF-style: chr9-128203458-G-A. GRCh37 (hg19) VCF-style: chr9-130965737-G-A.
Other names: c.-13G>A (NM_001005336.3, NM_001288737.2, NM_001288738.2 and 2 more transcripts); c.-6+728C>T (NM_001131015.2, NM_012127.3).
Identifiers: ClinVar variation 515167 (VCV000515167.3), dbSNP rs928532911, ClinGen allele CA590940505.

ClinVar aggregate classification (germline): Likely benign (1 of 4 stars; one submission).

Allele frequency attached by ClinVar (database versions not stated): TOPMed 0.00005; gnomAD 0.00004 and 0.00005.
gnomAD v4.1: 18 of 1,468,880 alleles (0.0012%); highest among the groups gnomAD compares: Admixed American, 0.027%; no homozygotes.

Submission:

GeneDx
Classification: Likely benign. Last evaluated: 2018-02-02. Review status: criteria provided, single submitter. Criteria: GeneDx Variant Classification (06012015). Collection method: clinical testing. Allele origin: germline. Affected: yes.
Comment: This variant is considered likely benign or benign based on one or more of the following criteria: it is a conservative change, it occurs at a poorly conserved position in the protein, it is predicted to be benign by multiple in silico algorithms, and/or has population frequency not consistent with disease.